The following is an entry in ClinVar:

ClinVar aggregate classification (germline): Uncertain significance. Review status: criteria provided, multiple submitters, no conflicts (2 of 4 stars). 2 submissions from 2 submitters: Uncertain significance (2). Last evaluated 2024-10-12.

Conditions:
Inborn genetic diseases. Identifiers: MedGen C0950123, MeSH D030342.

gnomAD v4.1: 7 of 1,210,183 alleles (0.00058%); highest among the groups gnomAD compares: African/African-American, 0.012%; no homozygotes.

Submissions (2):

Ambry Genetics
Classification: Uncertain significance for Inborn genetic diseases. Last evaluated: 2024-10-12. Review status: criteria provided, single submitter. Criteria: Ambry Variant Classification Scheme 2023. Collection method: clinical testing. Allele origin: germline.

GeneDx
Classification: Uncertain significance. Last evaluated: 2024-08-21. Review status: criteria provided, single submitter. Criteria: GeneDx Variant Classification Process June 2021. Collection method: clinical testing. Allele origin: germline. Affected: yes.
Comment: In silico analysis supports that this missense variant has a deleterious effect on protein structure/function; Has not been previously published as pathogenic or benign to our knowledge

NM_001039591.3(USP9X):c.3883T>G (p.Cys1295Gly)

Gene: USP9X (ubiquitin specific peptidase 9 X-linked; plus strand). Cytogenetic location: Xp11.4.
Variant type: single nucleotide variant.
Coding change: c.3883T>G on transcript NM_001039591.3 (MANE Select); coding-DNA position 3883, T replaced by G.
Protein change: p.Cys1295Gly; replaces cysteine 1295 with glycine.
Molecular consequence: missense variant.
Genome position (GRCh38, 1-based): chrX:41,189,381, T>G. VCF-style: chrX-41189381-T-G. GRCh37 (hg19) VCF-style: chrX-41048634-T-G.
Other names: c.3883T>G, p.Cys1295Gly (NM_001039590.3); c.3898T>G, p.Cys1300Gly (NM_001410748.1, NM_001410749.1); short protein forms C1295G, C1300G.
Identifiers: ClinVar variation 3467331 (VCV003467331.2).